The following is an entry in ClinVar:

ClinVar aggregate classification (germline): Uncertain significance (1 of 4 stars; one submission).

Submission:

GeneDx
Classification: Uncertain significance. Last evaluated: 2025-04-26. Review status: criteria provided, single submitter. Criteria: GeneDx Variant Classification Process June 2021. Collection method: clinical testing. Allele origin: germline. Affected: yes.
Comment: Not observed at significant frequency in large population cohorts (gnomAD); In silico analysis supports that this missense variant has a deleterious effect on protein structure/function; Has not been previously published as pathogenic or benign to our knowledge; This variant is associated with the following publications: (PMID: 25512093, 25609763, 26100331)

NM_001376.5(DYNC1H1):c.1959G>T (p.Gln653His)

Gene: DYNC1H1 (dynein cytoplasmic 1 heavy chain 1; plus strand). Cytogenetic location: 14q32.31.
Variant type: single nucleotide variant.
Coding change: c.1959G>T on transcript NM_001376.5 (MANE Select); coding-DNA position 1959, G replaced by T.
Protein change: p.Gln653His; replaces glutamine 653 with histidine.
Molecular consequence: missense variant.
Genome position (GRCh38, 1-based): chr14:101,986,184, G>T. VCF-style: chr14-101986184-G-T. GRCh37 (hg19) VCF-style: chr14-102452521-G-T.
Other names: short protein forms Q653H.
Identifiers: ClinVar variation 2501410 (VCV002501410.2), dbSNP rs749204234, ClinGen allele CA391020079.